The following is an entry in ClinVar:

ClinVar aggregate classification (germline): Uncertain significance (1 of 4 stars; one submission).

Allele frequency attached by ClinVar (database versions not stated): TOPMed below 0.00001; gnomAD 0.00001.
gnomAD v4.1: 1 of 1,574,848 alleles (0.000063%); highest among the groups gnomAD compares: Non-Finnish European, 0.000086%; no homozygotes.

Submission:

Labcorp Genetics (formerly Invitae), Labcorp
Classification: Uncertain significance. Last evaluated: 2022-04-09. Review status: criteria provided, single submitter. Criteria: Invitae Variant Classification Sherloc (09022015). Collection method: clinical testing. Allele origin: germline.
Comment: This sequence change replaces alanine, which is neutral and non-polar, with glycine, which is neutral and non-polar, at codon 2976 of the MYO15A protein (p.Ala2976Gly). This variant is not present in population databases (gnomAD no frequency). This variant has not been reported in the literature in individuals affected with MYO15A-related conditions. Advanced modeling of protein sequence and biophysical properties (such as structural, functional, and spatial information, amino acid conservation, physicochemical variation, residue mobility, and thermodynamic stability) performed at Invitae indicates that this missense variant is not expected to disrupt MYO15A protein function. In summary, the available evidence is currently insufficient to determine the role of this variant in disease. Therefore, it has been classified as a Variant of Uncertain Significance.

NM_016239.4(MYO15A):c.8927C>G (p.Ala2976Gly)

Gene: MYO15A (myosin XVA; plus strand). Cytogenetic location: 17p11.2.
Variant type: single nucleotide variant.
Coding change: c.8927C>G on transcript NM_016239.4 (MANE Select); coding-DNA position 8927, C replaced by G.
Protein change: p.Ala2976Gly; replaces alanine 2976 with glycine.
Molecular consequence: missense variant.
Genome position (GRCh38, 1-based): chr17:18,157,860, C>G. VCF-style: chr17-18157860-C-G. GRCh37 (hg19) VCF-style: chr17-18061174-C-G.
Other names: short protein forms A2976G.
Identifiers: ClinVar variation 1905726 (VCV001905726.5), dbSNP rs781751572, ClinGen allele CA398630599.